The following is an entry in ClinVar:

NM_001080477.4(TENM3):c.1197T>C (p.Pro399=)

Gene: TENM3 (teneurin transmembrane protein 3; plus strand). Cytogenetic location: 4q35.1.
Variant type: single nucleotide variant.
Coding change: c.1197T>C on transcript NM_001080477.4 (MANE Select); coding-DNA position 1197, T replaced by C.
Protein change: p.Pro399=; no amino-acid change (proline 399 retained).
Molecular consequence: synonymous variant.
Genome position (GRCh38, 1-based): chr4:182,673,090, T>C. VCF-style: chr4-182673090-T-C. GRCh37 (hg19) VCF-style: chr4-183594243-T-C.
Identifiers: ClinVar variation 789177 (VCV000789177.40), dbSNP rs192736990, ClinGen allele CA3147618.

ClinVar aggregate classification (germline): Benign/Likely benign. Review status: criteria provided, multiple submitters, no conflicts (2 of 4 stars). 4 submissions from 4 submitters: Benign (1); Likely benign (3). Last evaluated 2026-06-01.

Allele frequency attached by ClinVar (database versions not stated): 1000 Genomes Project 0.00200; 1000 Genomes Project 30x 0.00234; gnomAD 0.00553 and 0.00559; TOPMed 0.00553; ExAC 0.00720; ESP Exome Variant Server 0.00738.
gnomAD v4.1: 13,395 of 1,612,876 alleles (0.83%); highest among the groups gnomAD compares: Middle Eastern, 1%; 77 homozygotes.

Submissions (4):

CeGaT Center for Human Genetics Tuebingen
Classification: Likely benign. Last evaluated: 2026-06-01. Review status: criteria provided, single submitter. Criteria: CeGaT Center For Human Genetics Tuebingen Variant Classification Criteria Version 2. Collection method: clinical testing. Allele origin: germline. Affected: yes. Observed: 10 variant alleles.
Comment: TENM3: BP4, BP7, BS2

Labcorp Genetics (formerly Invitae), Labcorp
Classification: Benign. Last evaluated: 2026-01-14. Review status: criteria provided, single submitter. Criteria: Invitae Variant Classification Sherloc (09022015). Collection method: clinical testing. Allele origin: germline.

GeneDx
Classification: Likely benign. Last evaluated: 2020-04-20. Review status: criteria provided, single submitter. Criteria: GeneDx Variant Classification Process June 2021. Collection method: clinical testing. Allele origin: germline. Affected: yes.

Breakthrough Genomics
Classification: Likely benign. Review status: criteria provided, single submitter. Criteria: ACMG Guidelines, 2015. Collection method: not provided. Allele origin: germline. Inheritance: Autosomal recessive inheritance. Affected: yes.